The following is an entry in ClinVar:

NM_001164508.2(NEB):c.4229A>G (p.His1410Arg)

Gene: NEB (nebulin; minus strand). Cytogenetic location: 2q23.3.
Variant type: single nucleotide variant.
Coding change: c.4229A>G on transcript NM_001164508.2 (MANE Select); coding-DNA position 4229, A replaced by G.
Protein change: p.His1410Arg; replaces histidine 1410 with arginine.
Molecular consequence: missense variant.
Genome position (GRCh38, 1-based): chr2:151,672,439, T>C on the plus strand (A>G on the coding strand, the complement: NEB is on the minus strand). VCF-style: chr2-151672439-T-C. GRCh37 (hg19) VCF-style: chr2-152528953-T-C.
Other names: c.4229A>G, p.His1410Arg (NM_001164507.2, NM_001271208.2, NM_004543.5); short protein forms H1410R.
Identifiers: ClinVar variation 1353020 (VCV001353020.6), dbSNP rs758328454, ClinGen allele CA1910693.

ClinVar aggregate classification (germline): Uncertain significance (1 of 4 stars; one submission).

Conditions:
Nemaline myopathy 2 (NEM2). Also called: Nemaline myopathy 2, autosomal recessive. Identifiers: MedGen C1850569, MONDO:0009725, OMIM 256030.

Allele frequency attached by ClinVar (database versions not stated): gnomAD exomes below 0.00001; ExAC 0.00001; gnomAD 0.00001.
gnomAD v4.1: 2 of 1,613,884 alleles (0.00012%); highest among the groups gnomAD compares: African/African-American, 0.0013%; no homozygotes.

Submission:

Labcorp Genetics (formerly Invitae), Labcorp
Classification: Uncertain significance for Nemaline myopathy 2. Last evaluated: 2022-11-01. Review status: criteria provided, single submitter. Criteria: Invitae Variant Classification Sherloc (09022015). Collection method: clinical testing. Allele origin: germline.
Comment: This variant is present in population databases (rs758328454, gnomAD 0.004%). In summary, the available evidence is currently insufficient to determine the role of this variant in disease. Therefore, it has been classified as a Variant of Uncertain Significance. Algorithms developed to predict the effect of missense changes on protein structure and function are either unavailable or do not agree on the potential impact of this missense change (SIFT: "Deleterious"; PolyPhen-2: "Not Available"; Align-GVGD: "Class C0"). ClinVar contains an entry for this variant (Variation ID: 1353020). This variant has not been reported in the literature in individuals affected with NEB-related conditions. This sequence change replaces histidine, which is basic and polar, with arginine, which is basic and polar, at codon 1410 of the NEB protein (p.His1410Arg).